The following is an entry in ClinVar:

NM_000540.3(RYR1):c.12590_12591del (p.Ile4196_Ser4197insTer)

Gene: RYR1 (ryanodine receptor 1; plus strand). Cytogenetic location: 19q13.2.
Variant type: Deletion.
Coding change: c.12590_12591del on transcript NM_000540.3 (MANE Select); coding-DNA positions 12590 to 12591, 2 bases deleted (CA; older notation c.12590_12591delCA).
Protein change: p.Ile4196_Ser4197insTer.
Molecular consequence: nonsense.
Genome position (GRCh38, 1-based): chr19:38,561,420-38,561,421, CA deleted. VCF-style (leftmost placement, unchanged base first): chr19-38561419-TCA-T. GRCh37 (hg19) VCF-style: chr19-39052059-TCA-T.
Other names: c.12575_12576del, p.Ile4191_Ser4192insTer (NM_001042723.2).
Identifiers: ClinVar variation 2584884 (VCV002584884.1), dbSNP rs2514654539, ClinGen allele CA2582342955.

ClinVar aggregate classification (germline): Likely pathogenic (1 of 4 stars; one submission).

Conditions:
Central core myopathy (CMYO1A). Also called: Central core disease; Myopathy, central fibrillar; CONGENITAL MYOPATHY 1A, AUTOSOMAL DOMINANT, WITH SUSCEPTIBILITY TO MALIGNANT HYPERTHERMIA. Identifiers: Orphanet 597, MedGen C5830701, MONDO:0007294, OMIM 117000.

Submission:

Neuberg Centre For Genomic Medicine, NCGM
Classification: Likely pathogenic for Central core myopathy. Review status: criteria provided, single submitter. Criteria: ACMG Guidelines, 2015. Collection method: clinical testing. Allele origin: germline. Inheritance: Autosomal recessive inheritance. Affected: yes.
Comment: The c.12590_12591del (p.Ser4197Ter) frameshift variant in RYR1 gene has not been reported previously as a pathogenic variant nor as a benign variant, to our knowledge. The p.Ser4197Ter variant is novel (not in any individuals) in gnomAD Exomes and is novel (not in any individuals) in 1000 Genomes. This variant is predicted to cause loss of normal protein function through protein truncation. Loss of function variants have been previously reported to be disease causing. For these reasons, this variant has been classified as Likely Pathogenic.